The following is an entry in ClinVar:

NM_000719.7(CACNA1C):c.4243G>A (p.Gly1415Arg)

Gene: CACNA1C (calcium voltage-gated channel subunit alpha1 C; plus strand). Cytogenetic location: 12p13.33.
Variant type: single nucleotide variant.
Coding change: c.4243G>A on transcript NM_000719.7 (MANE Select); coding-DNA position 4243, G replaced by A.
Protein change: p.Gly1415Arg; replaces glycine 1415 with arginine.
Molecular consequence: missense variant.
Genome position (GRCh38, 1-based): chr12:2,664,835, G>A. VCF-style: chr12-2664835-G-A. GRCh37 (hg19) VCF-style: chr12-2774001-G-A.
Other names: c.4309G>A, p.Gly1437Arg (NM_001129829.2); c.4243G>A, p.Gly1415Arg (NM_001129830.3, NM_001129833.2, NM_001129834.2 and 7 more transcripts); c.4327G>A, p.Gly1443Arg (NM_001129831.2); c.4303G>A, p.Gly1435Arg (NM_001129832.2); c.4294G>A, p.Gly1432Arg (NM_001129836.2); c.4210G>A, p.Gly1404Arg (NM_001129837.2, NM_001129838.2, NM_001129846.2 and 1 more transcripts); c.4204G>A, p.Gly1402Arg (NM_001129839.2); c.4234G>A, p.Gly1412Arg (NM_001129844.2); and 1 more; short protein forms G1402R, G1404R, G1412R, G1415R, G1432R, G1435R, G1437R, G1443R.
Identifiers: ClinVar variation 3252167 (VCV003252167.5), dbSNP rs2529625584.

ClinVar aggregate classification (germline): Conflicting classifications of pathogenicity. Review status: criteria provided, conflicting classifications (1 of 4 stars). 3 submissions from 3 submitters: Pathogenic (1); Likely pathogenic (1); Uncertain significance (1). Last evaluated 2025-06-10.

Conditions:
Long QT syndrome (LQTS). Identifiers: MedGen C0023976, MeSH D008133, MONDO:0002442. Disease mechanism: loss of function. Inheritance: Various modes of inheritance.
CACNA1C-related disorder. Also called: CACNA1C-related disorders; CACNA1C-related condition. Identifiers: MedGen CN381092, MONDO:0700321.

Submissions (3):

GeneDx
Classification: Pathogenic. Last evaluated: 2025-06-10. Review status: criteria provided, single submitter. Criteria: GeneDx Variant Classification Process June 2021. Collection method: clinical testing. Allele origin: germline.
Comment: Not observed at significant frequency in large population cohorts (gnomAD); In silico analysis supports that this missense variant has a deleterious effect on protein structure/function; This variant is associated with the following publications: (PMID: 35982159, 33057194)

Labcorp Genetics (formerly Invitae), Labcorp
Classification: Uncertain significance for Long QT syndrome. Last evaluated: 2024-03-26. Review status: criteria provided, single submitter. Criteria: Invitae Variant Classification Sherloc (09022015). Collection method: clinical testing. Allele origin: germline.
Comment: This sequence change replaces glycine, which is neutral and non-polar, with arginine, which is basic and polar, at codon 1415 of the CACNA1C protein (p.Gly1415Arg). This variant is not present in population databases (gnomAD no frequency). This variant has not been reported in the literature in individuals affected with CACNA1C-related conditions. Advanced modeling of protein sequence and biophysical properties (such as structural, functional, and spatial information, amino acid conservation, physicochemical variation, residue mobility, and thermodynamic stability) performed at Invitae indicates that this missense variant is expected to disrupt CACNA1C protein function with a positive predictive value of 95%. In summary, the available evidence is currently insufficient to determine the role of this variant in disease. Therefore, it has been classified as a Variant of Uncertain Significance.

Blueprint Genetics
Classification: Likely pathogenic for CACNA1C-related disorders. Last evaluated: 2023-05-03. Review status: criteria provided, single submitter. Criteria: ACMG Guidelines, 2015. Collection method: clinical testing. Allele origin: de novo. Affected: yes. Observed: 2 variant alleles.